The following is an entry in ClinVar:

NM_030665.4(RAI1):c.1235G>A (p.Gly412Asp)

Gene: RAI1 (retinoic acid induced 1; plus strand). Cytogenetic location: 17p11.2.
Variant type: single nucleotide variant.
Coding change: c.1235G>A on transcript NM_030665.4 (MANE Select); coding-DNA position 1235, G replaced by A.
Protein change: p.Gly412Asp; replaces glycine 412 with aspartic acid.
Molecular consequence: missense variant.
Genome position (GRCh38, 1-based): chr17:17,794,183, G>A. VCF-style: chr17-17794183-G-A. GRCh37 (hg19) VCF-style: chr17-17697497-G-A.
Other names: short protein forms G412D.
Identifiers: ClinVar variation 1409427 (VCV001409427.11), dbSNP rs751581773, ClinGen allele CA8418291.

ClinVar aggregate classification (germline): Conflicting classifications of pathogenicity. Review status: criteria provided, conflicting classifications (1 of 4 stars). 4 submissions from 4 submitters: Uncertain significance (1); Likely benign (2). 1 of the submissions does not count toward it. Last evaluated 2026-01-17.

Conditions:
RAI1-related disorder. Also called: RAI1-related condition.
Inborn genetic diseases. Identifiers: MedGen C0950123, MeSH D030342.

Allele frequency attached by ClinVar (database versions not stated): gnomAD exomes below 0.00001 and 0.00002; ExAC 0.00001; gnomAD 0.00001; TOPMed 0.00002.
gnomAD v4.1: 9 of 1,613,638 alleles (0.00056%); highest among the groups gnomAD compares: Admixed American, 0.0067%; no homozygotes.

Submissions (4):

Labcorp Genetics (formerly Invitae), Labcorp
Classification: Likely benign. Last evaluated: 2026-01-17. Review status: criteria provided, single submitter. Criteria: Invitae Variant Classification Sherloc (09022015). Collection method: clinical testing. Allele origin: germline.

Blueprint Genetics
Classification: Likely benign. Last evaluated: 2024-10-25. Review status: criteria provided, single submitter. Criteria: ACMG Guidelines, 2015. Collection method: clinical testing. Allele origin: germline.

Ambry Genetics
Classification: Uncertain significance for Inborn genetic diseases. Last evaluated: 2017-10-30. Review status: criteria provided, single submitter. Criteria: Ambry Variant Classification Scheme 2023. Collection method: clinical testing. Allele origin: germline.
Comment: The p.G412D variant (also known as c.1235G>A), located in coding exon 1 of the RAI1 gene, results from a G to A substitution at nucleotide position 1235. The glycine at codon 412 is replaced by aspartic acid, an amino acid with similar properties. This alteration was found to be paternally inherited and in cis with another RAI1 variant (p.T723A) in an individual with a Kleefstra syndrome (KS) phenotype who also carried a de novo EHMT1 alteration (Blackburn PR et al. J. Biol. Chem., 2017 Mar;292:3866-3876). This amino acid position is not well conserved in available vertebrate species. In addition, this alteration is predicted to be tolerated by in silico analysis. Since supporting evidence is limited at this time, the clinical significance of this alteration remains unclear.

PreventionGenetics, part of Exact Sciences
Classification: Likely benign for RAI1-related condition. Last evaluated: 2023-10-06. Review status: no assertion criteria provided. Collection method: clinical testing. Allele origin: germline. Not counted in ClinVar's aggregate classification.
Comment: This variant is classified as likely benign based on ACMG/AMP sequence variant interpretation guidelines (Richards et al. 2015 PMID: 25741868, with internal and published modifications).

Literature cited by the submitters: PubMed 28057753 (cited by Ambry Genetics).